The following is an entry in ClinVar:

NM_001113378.2(FANCI):c.1664C>A (p.Ser555Tyr)

Gene: FANCI (FA complementation group I; plus strand). Cytogenetic location: 15q26.1.
Variant type: single nucleotide variant.
Coding change: c.1664C>A on transcript NM_001113378.2 (MANE Select); coding-DNA position 1664, C replaced by A.
Protein change: p.Ser555Tyr; replaces serine 555 with tyrosine.
Molecular consequence: missense variant.
Genome position (GRCh38, 1-based): chr15:89,283,216, C>A. VCF-style: chr15-89283216-C-A. GRCh37 (hg19) VCF-style: chr15-89826447-C-A.
Other names: c.1385C>A, p.Ser462Tyr (NM_001376910.1); c.1664C>A, p.Ser555Tyr (NM_001376911.1, NM_018193.3); short protein forms S462Y, S555Y.
Identifiers: ClinVar variation 1981027 (VCV001981027.4), dbSNP rs566704199, ClinGen allele CA7723094.

ClinVar aggregate classification (germline): Uncertain significance (1 of 4 stars; one submission).

Conditions:
Fanconi anemia (FA). Also called: Fanconi's anemia. Identifiers: Orphanet 84, MedGen C0015625, MeSH D005199, MONDO:0019391.

Allele frequency attached by ClinVar (database versions not stated): TOPMed below 0.00001; ExAC 0.00001; gnomAD 0.00001; 1000 Genomes Project 30x 0.00016; 1000 Genomes Project 0.00020.
gnomAD v4.1: 6 of 1,614,080 alleles (0.00037%); highest among the groups gnomAD compares: East Asian, 0.0089%; no homozygotes.

Submission:

Labcorp Genetics (formerly Invitae), Labcorp
Classification: Uncertain significance for Fanconi anemia. Last evaluated: 2024-12-23. Review status: criteria provided, single submitter. Criteria: Invitae Variant Classification Sherloc (09022015). Collection method: clinical testing. Allele origin: germline.
Comment: This sequence change replaces serine, which is neutral and polar, with tyrosine, which is neutral and polar, at codon 555 of the FANCI protein (p.Ser555Tyr). This variant is present in population databases (rs566704199, gnomAD 0.01%). This variant has not been reported in the literature in individuals affected with FANCI-related conditions. ClinVar contains an entry for this variant (Variation ID: 1981027). Invitae Evidence Modeling of protein sequence and biophysical properties (such as structural, functional, and spatial information, amino acid conservation, physicochemical variation, residue mobility, and thermodynamic stability) indicates that this missense variant is expected to disrupt FANCI protein function with a positive predictive value of 80%. Algorithms developed to predict the effect of sequence changes on RNA splicing suggest that this variant may disrupt the consensus splice site. In summary, the available evidence is currently insufficient to determine the role of this variant in disease. Therefore, it has been classified as a Variant of Uncertain Significance.